The following is an entry in ClinVar:

NM_002335.4(LRP5):c.4162G>A (p.Gly1388Arg)

Gene: LRP5 (LDL receptor related protein 5; plus strand). Cytogenetic location: 11q13.2.
Variant type: single nucleotide variant.
Coding change: c.4162G>A on transcript NM_002335.4 (MANE Select); coding-DNA position 4162, G replaced by A.
Protein change: p.Gly1388Arg; replaces glycine 1388 with arginine.
Molecular consequence: missense variant.
Genome position (GRCh38, 1-based): chr11:68,438,496, G>A. VCF-style: chr11-68438496-G-A. GRCh37 (hg19) VCF-style: chr11-68205964-G-A.
Other names: c.2419G>A, p.Gly807Arg (NM_001291902.2); short protein forms G807R, G1388R.
Identifiers: ClinVar variation 1491770 (VCV001491770.7), dbSNP rs143015732, ClinGen allele CA6150270.
Genomic context (GRCh38, chr11:68,438,496, plus strand): 5'-TCTCTGGCAGAAATCACCAAGCCGCCCTCAGACGACAGCCCGGCCCACAGCAGTGCCATC[G>A]GGCCCGTCATTGGCATCATCCTCTCTCTCTTCGTCATGGGTGGTGTCTATTTTGTGTGCC-3'
Protein context (NP_002326.2, residues 1378-1398): DDSPAHSSAI[Gly1388Arg]PVIGIILSLF

ClinVar aggregate classification (germline): Uncertain significance. Review status: criteria provided, multiple submitters, no conflicts (2 of 4 stars). 2 submissions from 2 submitters: Uncertain significance (2). Last evaluated 2025-09-07.

Allele frequency attached by ClinVar (database versions not stated): gnomAD exomes 0.00003; ExAC 0.00004; gnomAD 0.00005 and 0.00006; TOPMed 0.00005; ESP Exome Variant Server 0.00008.
gnomAD v4.1: 21 of 1,614,118 alleles (0.0013%); highest among the groups gnomAD compares: African/African-American, 0.015%; no homozygotes.

Submissions (2):

Labcorp Genetics (formerly Invitae), Labcorp
Classification: Uncertain significance. Last evaluated: 2025-09-07. Review status: criteria provided, single submitter. Criteria: Invitae Variant Classification Sherloc (09022015). Collection method: clinical testing. Allele origin: germline.
Comment: This sequence change replaces glycine, which is neutral and non-polar, with arginine, which is basic and polar, at codon 1388 of the LRP5 protein (p.Gly1388Arg). This variant is present in population databases (rs143015732, gnomAD 0.03%). This variant has not been reported in the literature in individuals affected with LRP5-related conditions. ClinVar contains an entry for this variant (Variation ID: 1491770). Invitae Evidence Modeling of protein sequence and biophysical properties (such as structural, functional, and spatial information, amino acid conservation, physicochemical variation, residue mobility, and thermodynamic stability) indicates that this missense variant is not expected to disrupt LRP5 protein function with a negative predictive value of 95%. In summary, the available evidence is currently insufficient to determine the role of this variant in disease. Therefore, it has been classified as a Variant of Uncertain Significance.

Blueprint Genetics
Classification: Uncertain significance. Last evaluated: 2022-04-22. Review status: criteria provided, single submitter. Criteria: ACMG Guidelines, 2015. Collection method: clinical testing. Allele origin: germline.